The following is an entry in ClinVar:

ClinVar aggregate classification (germline): Uncertain significance (1 of 4 stars; one submission).

Allele frequency attached by ClinVar (database versions not stated): gnomAD exomes 0.00001 and 0.00003; ExAC 0.00002.

Submission:

Labcorp Genetics (formerly Invitae), Labcorp
Classification: Uncertain significance. Last evaluated: 2021-08-31. Review status: criteria provided, single submitter. Criteria: Invitae Variant Classification Sherloc (09022015). Collection method: clinical testing. Allele origin: germline.
Comment: This sequence change replaces arginine with histidine at codon 408 of the SBF1 protein (p.Arg408His). The arginine residue is highly conserved and there is a small physicochemical difference between arginine and histidine. This variant is present in population databases (rs758592958, ExAC 0.003%). This variant has not been reported in the literature in individuals affected with SBF1-related conditions. Algorithms developed to predict the effect of missense changes on protein structure and function are either unavailable or do not agree on the potential impact of this missense change (SIFT: "Deleterious"; PolyPhen-2: "Probably Damaging"; Align-GVGD: "Class C0"). In summary, the available evidence is currently insufficient to determine the role of this variant in disease. Therefore, it has been classified as a Variant of Uncertain Significance.

NM_002972.4(SBF1):c.1223G>A (p.Arg408His)

Gene: SBF1 (SET binding factor 1; minus strand). Cytogenetic location: 22q13.33.
Variant type: single nucleotide variant.
Coding change: c.1223G>A on transcript NM_002972.4 (MANE Select); coding-DNA position 1223, G replaced by A.
Protein change: p.Arg408His; replaces arginine 408 with histidine.
Molecular consequence: missense variant.
Genome position (GRCh38, 1-based): chr22:50,465,110, C>T on the plus strand (G>A on the coding strand, the complement: SBF1 is on the minus strand). VCF-style: chr22-50465110-C-T. GRCh37 (hg19) VCF-style: chr22-50903539-C-T.
Other names: c.1226G>A, p.Arg409His (NM_001365819.1); short protein forms R408H, R409H.
Identifiers: ClinVar variation 1438702 (VCV001438702.5), dbSNP rs758592958, ClinGen allele CA10317759.
Genomic context (GRCh38, chr22:50,465,110, plus strand): 5'-AAGCCAGCAAAGGCCATGCCCTCCAGCACCTTCATCAGGAAATCGTCCTCTACCAGCCCA[C>T]GCTGGCCCAGGAAGGCTGCCTGGATGACAGAAGGAGGTCGGTCCCTCAGGGGTCTCCACC-3'
Protein context (NP_002963.2, residues 398-418): RFHKAAFLGQ[Arg408His]GLVEDDFLMK